The following is an entry in ClinVar:

NM_020754.4(ARHGAP31):c.1466C>T (p.Pro489Leu)

Gene: ARHGAP31 (Rho GTPase activating protein 31; plus strand). Cytogenetic location: 3q13.33.
Variant type: single nucleotide variant.
Coding change: c.1466C>T on transcript NM_020754.4 (MANE Select); coding-DNA position 1466, C replaced by T.
Protein change: p.Pro489Leu; replaces proline 489 with leucine.
Molecular consequence: missense variant.
Genome position (GRCh38, 1-based): chr3:119,402,218, C>T. VCF-style: chr3-119402218-C-T. GRCh37 (hg19) VCF-style: chr3-119121065-C-T.
Other names: short protein forms P489L.
Identifiers: ClinVar variation 2635169 (VCV002635169.2), dbSNP rs368449482, ClinGen allele CA2553823.
Genomic context (GRCh38, chr3:119,402,218, plus strand): 5'-GCCTCTTCCAGATGGAGCCCTCGCCGCGTAACCAGCGCAAGGCGCTGAACATCTCCGAGC[C>T]CTTTGCGGTATCTGTGCCGCTCCGCGTGTCCGCAGTCATCAGCACCAACAGCACGCCGTG-3'
Protein context (NP_065805.2, residues 479-499): NQRKALNISE[Pro489Leu]FAVSVPLRVS

ClinVar aggregate classification (germline): Uncertain significance. Review status: criteria provided, multiple submitters, no conflicts (2 of 4 stars). 2 submissions from 2 submitters: Uncertain significance (2). Last evaluated 2025-09-25.

Conditions:
ARHGAP31-related disorder. Also called: ARHGAP31-related condition.

Allele frequency attached by ClinVar (database versions not stated): gnomAD 0.00001; TOPMed 0.00001; ExAC 0.00002; ESP Exome Variant Server 0.00008.
gnomAD v4.1: 2 of 1,614,170 alleles (0.00012%); highest among the groups gnomAD compares: African/African-American, 0.0027%; no homozygotes.

Submissions (2):

Labcorp Genetics (formerly Invitae), Labcorp
Classification: Uncertain significance. Last evaluated: 2025-09-25. Review status: criteria provided, single submitter. Criteria: Invitae Variant Classification Sherloc (09022015). Collection method: clinical testing. Allele origin: germline.
Comment: This sequence change replaces proline, which is neutral and non-polar, with leucine, which is neutral and non-polar, at codon 489 of the ARHGAP31 protein (p.Pro489Leu). This variant is present in population databases (rs368449482, gnomAD 0.01%). This variant has not been reported in the literature in individuals affected with ARHGAP31-related conditions. ClinVar contains an entry for this variant (Variation ID: 2635169). An algorithm developed to predict the effect of missense changes on protein structure and function (PolyPhen-2) suggests that this variant is likely to be disruptive. In summary, the available evidence is currently insufficient to determine the role of this variant in disease. Therefore, it has been classified as a Variant of Uncertain Significance.

PreventionGenetics, part of Exact Sciences
Classification: Uncertain significance for ARHGAP31-related condition. Last evaluated: 2022-10-31. Review status: criteria provided, single submitter. Criteria: ACMG Guidelines, 2015. Collection method: clinical testing. Allele origin: germline.
Comment: The ARHGAP31 c.1466C>T variant is predicted to result in the amino acid substitution p.Pro489Leu. To our knowledge, this variant has not been reported in the literature. This variant is reported in 0.0083% of alleles in individuals of African descent in gnomAD. At this time, the clinical significance of this variant is uncertain due to the absence of conclusive functional and genetic evidence.